The following is an entry in ClinVar:

ClinVar aggregate classification (germline): Conflicting classifications of pathogenicity. Review status: criteria provided, conflicting classifications (1 of 4 stars). 2 submissions from 2 submitters: Uncertain significance (1); Likely benign (1). Last evaluated 2025-11-17.

Conditions:
Inborn genetic diseases. Identifiers: MedGen C0950123, MeSH D030342.
Developmental and epileptic encephalopathy 94 (DEE94). Also called: Epileptic encephalopathy, childhood-onset; CHD2-Related Neurodevelopmental Disorders. Identifiers: Orphanet 1942, Orphanet 2382, MedGen C3809278, MONDO:0014150, OMIM 615369.

Allele frequency attached by ClinVar (database versions not stated): gnomAD 0.00003.
gnomAD v4.1: 50 of 1,614,052 alleles (0.0031%); highest among the groups gnomAD compares: East Asian, 0.02%; no homozygotes.

Submissions (2):

Labcorp Genetics (formerly Invitae), Labcorp
Classification: Likely benign for Developmental and epileptic encephalopathy 94. Last evaluated: 2025-11-17. Review status: criteria provided, single submitter. Criteria: Invitae Variant Classification Sherloc (09022015). Collection method: clinical testing. Allele origin: germline.

Ambry Genetics
Classification: Uncertain significance for Inborn genetic diseases. Last evaluated: 2020-06-22. Review status: criteria provided, single submitter. Criteria: Ambry Variant Classification Scheme 2023. Collection method: clinical testing. Allele origin: germline.
Comment: The p.R199H variant (also known as c.596G>A), located in coding exon 6 of the CHD2 gene, results from a G to A substitution at nucleotide position 596. The arginine at codon 199 is replaced by histidine, an amino acid with highly similar properties. This amino acid position is well conserved in available vertebrate species. In addition, the in silico prediction for this alteration is inconclusive. Since supporting evidence is limited at this time, the clinical significance of this alteration remains unclear.

NM_001271.4(CHD2):c.596G>A (p.Arg199His)

Gene: CHD2 (chromodomain helicase DNA binding protein 2; plus strand). Cytogenetic location: 15q26.1.
Variant type: single nucleotide variant.
Coding change: c.596G>A on transcript NM_001271.4 (MANE Select); coding-DNA position 596, G replaced by A.
Protein change: p.Arg199His; replaces arginine 199 with histidine.
Molecular consequence: missense variant.
Genome position (GRCh38, 1-based): chr15:92,939,622, G>A. VCF-style: chr15-92939622-G-A. GRCh37 (hg19) VCF-style: chr15-93482852-G-A.
Other names: c.596G>A, p.Arg199His (NM_001042572.3); short protein forms R199H.
Identifiers: ClinVar variation 1134662 (VCV001134662.11), dbSNP rs367550855, ClinGen allele CA7747578.